The following is an entry in ClinVar:

ClinVar aggregate classification (germline): Uncertain significance (1 of 4 stars; one submission).

Allele frequency attached by ClinVar (database versions not stated): gnomAD exomes below 0.00001.
gnomAD v4.1: 1 of 1,613,894 alleles (0.000062%); highest among the groups gnomAD compares: South Asian, 0.0011%; no homozygotes.

Submission:

Labcorp Genetics (formerly Invitae), Labcorp
Classification: Uncertain significance. Last evaluated: 2022-10-17. Review status: criteria provided, single submitter. Criteria: Invitae Variant Classification Sherloc (09022015). Collection method: clinical testing. Allele origin: germline.
Comment: This sequence change replaces asparagine, which is neutral and polar, with serine, which is neutral and polar, at codon 1268 of the ADGRV1 protein (p.Asn1268Ser). This variant is not present in population databases (gnomAD no frequency). This variant has not been reported in the literature in individuals affected with ADGRV1-related conditions. Advanced modeling of protein sequence and biophysical properties (such as structural, functional, and spatial information, amino acid conservation, physicochemical variation, residue mobility, and thermodynamic stability) performed at Invitae indicates that this missense variant is not expected to disrupt ADGRV1 protein function. In summary, the available evidence is currently insufficient to determine the role of this variant in disease. Therefore, it has been classified as a Variant of Uncertain Significance.

NM_032119.4(ADGRV1):c.3803A>G (p.Asn1268Ser)

Gene: ADGRV1 (adhesion G protein-coupled receptor V1; plus strand). Cytogenetic location: 5q14.3.
Variant type: single nucleotide variant.
Coding change: c.3803A>G on transcript NM_032119.4 (MANE Select); coding-DNA position 3803, A replaced by G.
Protein change: p.Asn1268Ser; replaces asparagine 1268 with serine.
Molecular consequence: missense variant. On other transcripts: non-coding transcript variant (1).
Genome position (GRCh38, 1-based): chr5:90,653,377, A>G. VCF-style: chr5-90653377-A-G. GRCh37 (hg19) VCF-style: chr5-89949194-A-G.
Other names: short protein forms N1268S.
Identifiers: ClinVar variation 2102787 (VCV002102787.1), dbSNP rs1768919581, ClinGen allele CA360399130.